The following is an entry in ClinVar:

ClinVar aggregate classification (germline): Uncertain significance (1 of 4 stars; one submission).

Conditions:
DiGeorge syndrome. Also called: THIRD AND FOURTH PHARYNGEAL POUCH SYNDROME; Catch22. Identifiers: Orphanet 567, MedGen C0012236, MONDO:0008564, OMIM 188400.

Submission:

Labcorp Genetics (formerly Invitae), Labcorp
Classification: Uncertain significance for DiGeorge syndrome. Last evaluated: 2024-11-23. Review status: criteria provided, single submitter. Criteria: Invitae Variant Classification Sherloc (09022015). Collection method: clinical testing. Allele origin: germline.
Comment: This sequence change replaces leucine, which is neutral and non-polar, with arginine, which is basic and polar, at codon 18 of the TBX1 protein (p.Leu18Arg). This variant is not present in population databases (gnomAD no frequency). This variant has not been reported in the literature in individuals affected with TBX1-related conditions. Experimental studies and prediction algorithms are not available or were not evaluated, and the functional significance of this variant is currently unknown. In summary, the available evidence is currently insufficient to determine the role of this variant in disease. Therefore, it has been classified as a Variant of Uncertain Significance.

NM_001379200.1(TBX1):c.80T>G (p.Leu27Arg)

Gene: TBX1 (T-box transcription factor 1; plus strand). Cytogenetic location: 22q11.21.
Variant type: single nucleotide variant.
Coding change: c.80T>G on transcript NM_001379200.1 (MANE Select); coding-DNA position 80, T replaced by G.
Protein change: p.Leu27Arg; replaces leucine 27 with arginine.
Molecular consequence: missense variant.
Genome position (GRCh38, 1-based): chr22:19,760,923, T>G. VCF-style: chr22-19760923-T-G. GRCh37 (hg19) VCF-style: chr22-19748446-T-G.
Other names: c.53T>G, p.Leu18Arg (NM_005992.1, NM_080646.2, NM_080647.1); short protein forms L18R, L27R.
Identifiers: ClinVar variation 3626950 (VCV003626950.2).
Genomic context (GRCh38, chr22:19,760,923, plus strand): 5'-GCCCGTGGCTCACGCAGCTCTCGCATTTCTGCGACGTTGCAGCCTTCACGGCCAGCAGCC[T>G]GAGCAGCCTGGGGGCCGCGGGGGGCTTCCCGGGCGCCGCGTCGCCCGGCGCCGACCCGTA-3'
Protein context (NP_001366129.1, residues 17-37): CDVAAFTASS[Leu27Arg]SSLGAAGGFP